The following is an entry in ClinVar:

NM_000064.4(C3):c.1718G>A (p.Arg573Gln)

Gene: C3 (complement C3; minus strand). Cytogenetic location: 19p13.3.
Variant type: single nucleotide variant.
Coding change: c.1718G>A on transcript NM_000064.4 (MANE Select); coding-DNA position 1718, G replaced by A.
Protein change: p.Arg573Gln; replaces arginine 573 with glutamine.
Molecular consequence: missense variant.
Genome position (GRCh38, 1-based): chr19:6,709,811, C>T on the plus strand (G>A on the coding strand, the complement: C3 is on the minus strand). VCF-style: chr19-6709811-C-T. GRCh37 (hg19) VCF-style: chr19-6709822-C-T.
Other names: short protein forms R573Q.
Identifiers: ClinVar variation 2982590 (VCV002982590.27), dbSNP rs780877533, ClinGen allele CA9129347.

ClinVar aggregate classification (germline): Uncertain significance. Review status: criteria provided, multiple submitters, no conflicts (2 of 4 stars). 4 submissions from 4 submitters: Uncertain significance (4). Last evaluated 2025-04-24.

Conditions:
Atypical hemolytic-uremic syndrome with C3 anomaly. Also called: AHUS, SUSCEPTIBILITY TO, 5. Identifiers: Orphanet 2134, MedGen C2752037, MONDO:0013043, OMIM 612925.
Age related macular degeneration 9. Identifiers: MedGen C1969651, MONDO:0012659, OMIM 611378.
Complement component 3 deficiency. Identifiers: Orphanet 280133, MedGen C3151071, MONDO:0013417, OMIM 613779.

gnomAD v4.1: 37 of 1,613,782 alleles (0.0023%); highest among the groups gnomAD compares: Non-Finnish European, 0.0029%; no homozygotes.

Submissions (4):

Labcorp Genetics (formerly Invitae), Labcorp
Classification: Uncertain significance. Last evaluated: 2025-04-24. Review status: criteria provided, single submitter. Criteria: Invitae Variant Classification Sherloc (09022015). Collection method: clinical testing. Allele origin: germline.
Comment: This sequence change replaces arginine, which is basic and polar, with glutamine, which is neutral and polar, at codon 573 of the C3 protein (p.Arg573Gln). This variant is present in population databases (rs780877533, gnomAD 0.006%). This variant has not been reported in the literature in individuals affected with C3-related conditions. ClinVar contains an entry for this variant (Variation ID: 2982590). An algorithm developed to predict the effect of missense changes on protein structure and function outputs the following: PolyPhen-2: "Benign". The glutamine amino acid residue is found in multiple mammalian species, which suggests that this missense change does not adversely affect protein function. In summary, the available evidence is currently insufficient to determine the role of this variant in disease. Therefore, it has been classified as a Variant of Uncertain Significance.

Fulgent Genetics
Classification: Uncertain significance for Age related macular degeneration 9; Atypical hemolytic-uremic syndrome with C3 anomaly; Complement component 3 deficiency. Last evaluated: 2024-05-22. Review status: criteria provided, single submitter. Criteria: ACMG Guidelines, 2015. Collection method: clinical testing. Allele origin: germline.

CeGaT Center for Human Genetics Tuebingen
Classification: Uncertain significance. Last evaluated: 2024-02-01. Review status: criteria provided, single submitter. Criteria: CeGaT Center For Human Genetics Tuebingen Variant Classification Criteria Version 2. Collection method: clinical testing. Allele origin: germline. Affected: yes. Observed: 1 variant allele.
Comment: C3: PM2, BP4

Blueprint Genetics
Classification: Uncertain significance. Last evaluated: 2021-09-24. Review status: criteria provided, single submitter. Criteria: ACMG Guidelines, 2015. Collection method: clinical testing. Allele origin: germline.